The following is an entry in ClinVar:

ClinVar aggregate classification (germline): Uncertain significance (1 of 4 stars; one submission).

Conditions:
Neuropathy, hereditary sensory, type 2C. Also called: KIF1A-Related HSAN2 (HSAN2C); Hereditary sensory and autonomic neuropathy type IIC. Identifiers: Orphanet 970, MedGen C3280168, MONDO:0013634, OMIM 614213.
Hereditary spastic paraplegia 30. Identifiers: Orphanet 101010, MedGen C5235139, MONDO:0012476.
Intellectual disability, autosomal dominant 9 (NESCAVS). Also called: KIF1A-Related Neurodevelopmental Disorder; NESCAV SYNDROME. Identifiers: Orphanet 662367, MedGen C5393830, MONDO:0013656, OMIM 614255.

Submission:

Labcorp Genetics (formerly Invitae), Labcorp
Classification: Uncertain significance for Hereditary spastic paraplegia 30; Neuropathy, hereditary sensory, type 2C; Intellectual disability, autosomal dominant 9. Last evaluated: 2025-06-04. Review status: criteria provided, single submitter. Criteria: Invitae Variant Classification Sherloc (09022015). Collection method: clinical testing. Allele origin: germline.
Comment: This sequence change replaces proline, which is neutral and non-polar, with threonine, which is neutral and polar, at codon 865 of the KIF1A protein (p.Pro865Thr). This variant is not present in population databases (gnomAD no frequency). This variant has not been reported in the literature in individuals affected with KIF1A-related conditions. Invitae Evidence Modeling of protein sequence and biophysical properties (such as structural, functional, and spatial information, amino acid conservation, physicochemical variation, residue mobility, and thermodynamic stability) has been performed for this missense variant. However, the output from this modeling did not meet the statistical confidence thresholds required to predict the impact of this variant on KIF1A protein function. In summary, the available evidence is currently insufficient to determine the role of this variant in disease. Therefore, it has been classified as a Variant of Uncertain Significance.

NM_001244008.2(KIF1A):c.2896C>A (p.Pro966Thr)

Gene: KIF1A (kinesin family member 1A; minus strand). Cytogenetic location: 2q37.3.
Variant type: single nucleotide variant.
Coding change: c.2896C>A on transcript NM_001244008.2 (MANE Select); coding-DNA position 2896, C replaced by A.
Protein change: p.Pro966Thr; replaces proline 966 with threonine.
Molecular consequence: missense variant.
Genome position (GRCh38, 1-based): chr2:240,750,510, G>T on the plus strand (C>A on the coding strand, the complement: KIF1A is on the minus strand). VCF-style: chr2-240750510-G-T. GRCh37 (hg19) VCF-style: chr2-241689927-G-T.
Other names: c.2620C>A, p.Pro874Thr (NM_001320705.2, NM_001330289.2, NM_001379638.1); c.2695C>A, p.Pro899Thr (NM_001330290.2, NM_001379634.1, NM_001379635.1 and 1 more transcripts); c.2971C>A, p.Pro991Thr (NM_001379631.1); c.2845C>A, p.Pro949Thr (NM_001379632.1); c.2869C>A, p.Pro957Thr (NM_001379633.1, NM_001379642.1, NM_001379645.1); c.2593C>A, p.Pro865Thr (NM_001379636.1, NM_001379639.1, NM_001379640.1 and 6 more transcripts); c.2668C>A, p.Pro890Thr (NM_001379637.1, NM_001379648.1); short protein forms P890T, P957T, P899T, P966T, P874T, P865T, P949T, P991T.
Identifiers: ClinVar variation 4782864 (VCV004782864.1).